The following is an entry in ClinVar:

NM_002225.5(IVD):c.*2850A>G

Gene: IVD (isovaleryl-CoA dehydrogenase; plus strand). Cytogenetic location: 15q15.1.
Variant type: single nucleotide variant.
Coding change: c.*2850A>G on transcript NM_002225.5 (MANE Select); 2850 bases downstream of the stop codon, A replaced by G.
Molecular consequence: 3 prime UTR variant. On other transcripts: intron variant (3).
Genome position (GRCh38, 1-based): chr15:40,421,113, A>G. VCF-style: chr15-40421113-A-G. GRCh37 (hg19) VCF-style: chr15-40713312-A-G.
Other names: c.*2850A>G (NM_001159508.3, NM_001354597.3, NM_001354599.3); c.1226-3022A>G (NM_001354600.3); c.1139-3022A>G (NM_001354598.3); c.1138+4751A>G (NM_001354601.3).
Identifiers: ClinVar variation 315835 (VCV000315835.5), dbSNP rs147367220, ClinGen allele CA10645849.

ClinVar aggregate classification (germline): Likely benign (1 of 4 stars; one submission).

Conditions:
Isovaleryl-CoA dehydrogenase deficiency (IVA). Also called: ISOVALERIC ACID CoA DEHYDROGENASE DEFICIENCY; IVD DEFICIENCY; Isovaleric acidemia; Classic Isovaleric Acidemia. Identifiers: Orphanet 33, MedGen C0268575, MONDO:0009475, OMIM 243500.

Allele frequency attached by ClinVar (database versions not stated): 1000 Genomes Project 30x 0.00094; 1000 Genomes Project 0.00100; TOPMed 0.00125; gnomAD exomes 0.00143; gnomAD 0.00294 and 0.00311.
gnomAD v4.1: 1,627 of 985,400 alleles (0.17%); highest among the groups gnomAD compares: Non-Finnish European, 0.16%; 1 homozygote.

Submission:

Illumina Laboratory Services, Illumina
Classification: Likely benign for Isovaleryl-CoA dehydrogenase deficiency. Last evaluated: 2018-01-13. Review status: criteria provided, single submitter. Criteria: ICSL Variant Classification Criteria 13 December 2019. Collection method: clinical testing. Allele origin: germline.
Comment: This variant was observed in the ICSL laboratory as part of a predisposition screen in an ostensibly healthy population. It had not been previously curated by ICSL or reported in the Human Gene Mutation Database (HGMD: prior to June 1st, 2018), and was therefore a candidate for classification through an automated scoring system. Utilizing variant allele frequency, disease prevalence and penetrance estimates, and inheritance mode, an automated score was calculated to assess if this variant is too frequent to cause the disease. Based on the score and internal cut-off values, a variant classified as likely benign is not then subjected to further curation. The score for this variant resulted in a classification of likely benign for this disease.